The following is an entry in ClinVar:

NM_003640.5(ELP1):c.1460+1G>C

Gene: ELP1 (elongator acetyltransferase complex subunit 1; minus strand). Cytogenetic location: 9q31.3.
Variant type: single nucleotide variant.
Coding change: c.1460+1G>C on transcript NM_003640.5 (MANE Select); the canonical splice donor site of the intron after coding-DNA position 1460, G replaced by C.
Molecular consequence: splice donor variant.
Genome position (GRCh38, 1-based): chr9:108,908,304, C>G on the plus strand (G>C on the coding strand, the complement: ELP1 is on the minus strand). VCF-style: chr9-108908304-C-G. GRCh37 (hg19) VCF-style: chr9-111670584-C-G.
Other names: c.1118+1G>C (NM_001318360.2); c.413+1G>C (NM_001330749.2).
Identifiers: ClinVar variation 4815173 (VCV004815173.1).

ClinVar aggregate classification (germline): Likely pathogenic (1 of 4 stars; one submission).

Conditions:
Familial dysautonomia. Also called: HSAN III; FD. Identifiers: Orphanet 1764, MedGen C0013364, MONDO:0009131, OMIM 223900. Disease mechanism: loss of function.

Submission:

Natera, Inc.
Classification: Likely pathogenic for Familial dysautonomia. Last evaluated: 2024-10-16. Review status: criteria provided, single submitter. Criteria: Natera Variant Classification Schema (03/2026). Collection method: clinical testing. Allele origin: germline.
Comment: The c.1460+1G>C variant in ELP1 is a canonical splice donor site variant predicted to affect pre-mRNA splicing, which may result in an abnormal transcript and altered protein product. This variant is expected to result in nonsense mediated decay, truncation, or a dysfunctional protein product. This variant is rare in the general population with a frequency below the threshold expected for the associated phenotype(s). Given the available evidence, this variant is classified as Likely Pathogenic.